The following is an entry in ClinVar:

NM_022041.4(GAN):c.647A>T (p.Asp216Val)

Gene: GAN (gigaxonin; plus strand). Cytogenetic location: 16q23.2.
Variant type: single nucleotide variant.
Coding change: c.647A>T on transcript NM_022041.4 (MANE Select); coding-DNA position 647, A replaced by T.
Protein change: p.Asp216Val; replaces aspartic acid 216 with valine.
Molecular consequence: missense variant.
Genome position (GRCh38, 1-based): chr16:81,356,798, A>T. VCF-style: chr16-81356798-A-T. GRCh37 (hg19) VCF-style: chr16-81390403-A-T.
Other names: c.8A>T, p.Asp3Val (NM_001377486.1); short protein forms D216V, D3V.
Identifiers: ClinVar variation 653614 (VCV000653614.10), dbSNP rs1367661696, ClinGen allele CA396870619.
Genomic context (GRCh38, chr16:81,356,798, plus strand): 5'-TTGCATTTTCCATTGTTTTCGCCCCATCTTTCTTCCCTCTTCTGCAGGTCCACATGAAGG[A>T]TGTTATGTCAGCTCTGTGGGTTTCAGGGTTGGACTCCAGTTATTTACGGGAACAGATGCT-3'
Protein context (NP_071324.1, residues 206-226): DTEIRKVHMK[Asp216Val]VMSALWVSGL

ClinVar aggregate classification (germline): Uncertain significance (1 of 4 stars; one submission).

Conditions:
Giant axonal neuropathy 1 (GAN1). Also called: GIANT AXONAL NEUROPATHY 1, AUTOSOMAL RECESSIVE; GAN-Related Neurodegeneration. Identifiers: Orphanet 643, MedGen C1850386, MONDO:0009749, OMIM 256850.

Allele frequency attached by ClinVar (database versions not stated): gnomAD exomes below 0.00001; TOPMed below 0.00001.
gnomAD v4.1: 1 of 1,611,452 alleles (0.000062%); highest among the groups gnomAD compares: Non-Finnish European, 0.000085%; no homozygotes.

Submission:

Labcorp Genetics (formerly Invitae), Labcorp
Classification: Uncertain significance for Giant axonal neuropathy 1. Last evaluated: 2022-10-18. Review status: criteria provided, single submitter. Criteria: Invitae Variant Classification Sherloc (09022015). Collection method: clinical testing. Allele origin: germline.
Comment: ClinVar contains an entry for this variant (Variation ID: 653614). This sequence change replaces aspartic acid, which is acidic and polar, with valine, which is neutral and non-polar, at codon 216 of the GAN protein (p.Asp216Val). This variant is not present in population databases (gnomAD no frequency). This variant has not been reported in the literature in individuals affected with GAN-related conditions. Advanced modeling of protein sequence and biophysical properties (such as structural, functional, and spatial information, amino acid conservation, physicochemical variation, residue mobility, and thermodynamic stability) performed at Invitae indicates that this missense variant is not expected to disrupt GAN protein function. In summary, the available evidence is currently insufficient to determine the role of this variant in disease. Therefore, it has been classified as a Variant of Uncertain Significance.